The following is an entry in ClinVar:

NM_033380.3(COL4A5):c.1834G>C (p.Gly612Arg)

Gene: COL4A5 (collagen type IV alpha 5 chain; plus strand). Cytogenetic location: Xq22.3.
Variant type: single nucleotide variant.
Coding change: c.1834G>C on transcript NM_033380.3 (MANE Select); coding-DNA position 1834, G replaced by C.
Protein change: p.Gly612Arg; replaces glycine 612 with arginine.
Molecular consequence: missense variant.
Genome position (GRCh38, 1-based): chrX:108,598,756, G>C. VCF-style: chrX-108598756-G-C. GRCh37 (hg19) VCF-style: chrX-107841986-G-C.
Other names: c.1834G>C, p.Gly612Arg (NM_000495.5); short protein forms G612R.
Identifiers: ClinVar variation 2099251 (VCV002099251.4), dbSNP rs2524314385, ClinGen allele CA413845710.

ClinVar aggregate classification (germline): Pathogenic (1 of 4 stars; one submission).

Submission:

Labcorp Genetics (formerly Invitae), Labcorp
Classification: Pathogenic. Last evaluated: 2022-05-31. Review status: criteria provided, single submitter. Criteria: Invitae Variant Classification Sherloc (09022015). Collection method: clinical testing. Allele origin: germline.
Comment: This sequence change replaces glycine, which is neutral and non-polar, with arginine, which is basic and polar, at codon 612 of the COL4A5 protein (p.Gly612Arg). This variant is not present in population databases (gnomAD no frequency). This missense change has been observed in individual(s) with COL4A5-related conditions (PMID: 33633790). Advanced modeling of protein sequence and biophysical properties (such as structural, functional, and spatial information, amino acid conservation, physicochemical variation, residue mobility, and thermodynamic stability) performed at Invitae indicates that this missense variant is expected to disrupt COL4A5 protein function. This variant disrupts the triple helix domain of COL4A5. Glycine residues within the Gly-Xaa-Yaa repeats of the triple helix domain are required for the structure and stability of fibrillar collagens (PMID: 7695699, 8218237, 19344236). In COL4A5, missense variants at these glycine residues are significantly enriched in individuals with disease (PMID: 23720012, 27627812) compared to the general population (ExAC). This variant disrupts the p.Gly612 amino acid residue in COL4A5. Other variant(s) that disrupt this residue have been observed in individuals with COL4A5-related conditions (PMID: 19728970, 28780565), which suggests that this may be a clinically significant amino acid residue. For these reasons, this variant has been classified as Pathogenic.

Literature cited by the submitters: PubMed 33633790; PubMed 7695699; PubMed 8218237; PubMed 19344236; PubMed 23720012; PubMed 27627812; PubMed 19728970; PubMed 28780565.